The following is an entry in ClinVar:

ClinVar aggregate classification (germline): Benign. Review status: criteria provided, multiple submitters, no conflicts (2 of 4 stars). 2 submissions from 2 submitters: Benign (2). Last evaluated 2018-06-14.

Allele frequency attached by ClinVar (database versions not stated): gnomAD exomes 0.04086 and 0.05106; ExAC 0.05595; gnomAD 0.08030 and 0.08090; TOPMed 0.08374; ESP Exome Variant Server 0.08550; 1000 Genomes Project 0.09465; 1000 Genomes Project 30x 0.09931.
gnomAD v4.1: 69,364 of 1,542,740 alleles (4.5%); highest among the groups gnomAD compares: African/African-American, 21%; 3,235 homozygotes.

Submissions (2):

GeneDx
Classification: Benign. Last evaluated: 2018-06-14. Review status: criteria provided, single submitter. Criteria: GeneDx Variant Classification (06012015). Collection method: clinical testing. Allele origin: germline. Affected: yes.
Comment: This variant is considered likely benign or benign based on one or more of the following criteria: it is a conservative change, it occurs at a poorly conserved position in the protein, it is predicted to be benign by multiple in silico algorithms, and/or has population frequency not consistent with disease.

Breakthrough Genomics
Classification: Benign. Review status: criteria provided, single submitter. Criteria: ACMG Guidelines, 2015. Collection method: not provided. Allele origin: germline. Inheritance: Autosomal recessive inheritance. Affected: yes.

NM_032578.4(MYPN):c.1246-41T>C

Gene: MYPN (myopalladin; plus strand). Cytogenetic location: 10q21.3.
Variant type: single nucleotide variant.
Coding change: c.1246-41T>C on transcript NM_032578.4 (MANE Select); 41 bases into the intron before coding-DNA position 1246, T replaced by C.
Molecular consequence: intron variant.
Genome position (GRCh38, 1-based): chr10:68,149,999, T>C. VCF-style: chr10-68149999-T-C. GRCh37 (hg19) VCF-style: chr10-69909756-T-C.
Other names: c.1246-41T>C (NM_001256267.2); c.364-41T>C (NM_001256268.2).
Identifiers: ClinVar variation 671422 (VCV000671422.2), dbSNP rs2817759, ClinGen allele CA5522496.
Genomic context (GRCh38, chr10:68,149,999, plus strand): 5'-GGGATGCATTTCATATACCAAATTCTATAGGTTTGTTATGTCTCACTATCCATCTAATAA[T>C]ATTAGTAACAATGAATTTACTGTTGCTTCCCTTCTACCAGTGTCAGAGCCCCACCAATTA-3'